The following is an entry in ClinVar:

ClinVar aggregate classification (germline): Uncertain significance (1 of 4 stars; one submission).

Conditions:
Hereditary nonpolyposis colorectal neoplasms. Identifiers: MedGen C0009405, MeSH D003123.

Submission:

Labcorp Genetics (formerly Invitae), Labcorp
Classification: Uncertain significance for Hereditary nonpolyposis colorectal neoplasms. Last evaluated: 2018-10-20. Review status: criteria provided, single submitter. Criteria: Invitae Variant Classification Sherloc (09022015). Collection method: clinical testing. Allele origin: germline.
Comment: In summary, the available evidence is currently insufficient to determine the role of this variant in disease. Therefore, it has been classified as a Variant of Uncertain Significance. Algorithms developed to predict the effect of missense changes on protein structure and function are either unavailable or do not agree on the potential impact of this missense change (SIFT: "Tolerated"; PolyPhen-2: "Probably Damaging"; Align-GVGD: "Class C0"). This variant has not been reported in the literature in individuals with MSH6-related disease. This variant is not present in population databases (ExAC no frequency). This sequence change replaces lysine with asparagine at codon 930 of the MSH6 protein (p.Lys930Asn). The lysine residue is moderately conserved and there is a moderate physicochemical difference between lysine and asparagine.

NM_000179.3(MSH6):c.2790A>T (p.Lys930Asn)

Gene: MSH6 (mutS homolog 6; plus strand). Cytogenetic location: 2p16.3.
Variant type: single nucleotide variant.
Coding change: c.2790A>T on transcript NM_000179.3 (MANE Select); coding-DNA position 2790, A replaced by T.
Protein change: p.Lys930Asn; replaces lysine 930 with asparagine.
Molecular consequence: missense variant.
Genome position (GRCh38, 1-based): chr2:47,800,773, A>T. VCF-style: chr2-47800773-A-T. GRCh37 (hg19) VCF-style: chr2-48027912-A-T.
Other names: c.2400A>T, p.Lys800Asn (NM_001281492.2); c.1884A>T, p.Lys628Asn (NM_001281493.2, NM_001281494.2); short protein forms K800N, K628N, K930N.
Identifiers: ClinVar variation 652943 (VCV000652943.9), dbSNP rs1572728711, ClinGen allele CA346755531.